The following is an entry in ClinVar:

ClinVar aggregate classification (germline): Benign (1 of 4 stars; one submission).

Conditions:
Hereditary cancer-predisposing syndrome. Also called: Tumor predisposition; Hereditary Cancer Syndrome; Hereditary neoplastic syndrome; Neoplastic Syndromes, Hereditary. Identifiers: Orphanet 140162, MedGen C0027672, MeSH D009386, MONDO:0015356.

Submission:

GeneDx
Classification: Benign for Neoplastic Syndromes, Hereditary. Last evaluated: 2014-07-11. Review status: criteria provided, single submitter. Criteria: GeneDx Variant Classification (06012015). Collection method: clinical testing. Allele origin: germline. Affected: yes.
Comment: The variant is found in HEREDICANCER panel(s).

NM_002485.4:c.703-20insA

Gene: NBN (nibrin; minus strand). Cytogenetic location: 8q21.3.
Variant type: Insertion.
Identifiers: ClinVar variation 182705 (VCV000182705.1).